The following is an entry in ClinVar:

NM_000263.4(NAGLU):c.235G>T (p.Gly79Cys)

Genes: NAGLU (N-acetyl-alpha-glucosaminidase; plus strand), LOC130060903 (ATAC-STARR-seq lymphoblastoid silent region 8533; plus strand). Cytogenetic location: 17q21.2.
Variant type: single nucleotide variant.
Coding change: c.235G>T on transcript NM_000263.4 (MANE Select); coding-DNA position 235, G replaced by T.
Protein change: p.Gly79Cys; replaces glycine 79 with cysteine.
Molecular consequence: missense variant.
Genome position (GRCh38, 1-based): chr17:42,536,507, G>T. VCF-style: chr17-42536507-G-T. GRCh37 (hg19) VCF-style: chr17-40688525-G-T.
Other names: c.235G>T (NM_000263.3); short protein forms G79C.
Identifiers: ClinVar variation 2138022 (VCV002138022.7), dbSNP rs1276484671, ClinGen allele CA399595748.

ClinVar aggregate classification (germline): Pathogenic/Likely pathogenic. Review status: criteria provided, multiple submitters, no conflicts (2 of 4 stars). 4 submissions from 4 submitters: Pathogenic (2); Likely pathogenic (2). Last evaluated 2024-07-26.

Conditions:
Charcot-Marie-Tooth disease axonal type 2V. Also called: CHARCOT-MARIE-TOOTH NEUROPATHY, TYPE 2V; CHARCOT-MARIE-TOOTH DISEASE, AXONAL, AUTOSOMAL DOMINANT, TYPE 2V. Identifiers: Orphanet 447964, MedGen C5569050, MONDO:0014665, OMIM 616491.
Mucopolysaccharidosis, MPS-III-B (MPS3B). Also called: N-ACETYL-ALPHA-D-GLUCOSAMINIDASE DEFICIENCY; NAGLU DEFICIENCY; SANFILIPPO SYNDROME B; MPS III B; MUCOPOLYSACCHARIDOSIS, TYPE IIIB; MPS IIIB (Sanfilippo Syndrome Type B). Identifiers: Orphanet 79270, MedGen C0086648, MONDO:0009656, OMIM 252920.

gnomAD v4.1: 14 of 1,245,904 alleles (0.0011%); highest among the groups gnomAD compares: Non-Finnish European, 0.0014%; no homozygotes.

Submissions (4):

Natera, Inc.
Classification: Likely pathogenic for Mucopolysaccharidosis type IIIB. Last evaluated: 2024-07-26. Review status: criteria provided, single submitter. Criteria: Natera Variant Classification Schema (03/2026). Collection method: clinical testing. Allele origin: germline.
Comment: The c.235G>T variant in NAGLU is a missense variant predicted to cause substitution of glycine to cysteine at amino acid 79. This variant is rare in the general population with a frequency below the threshold expected for the associated phenotype(s). This variant has been observed in one or more individuals affected with the associated recessive disease, as either homozygous or compound heterozygous with a second variant (PMID: 33747789, 9950362, 21712855). Additionally, this variant has been observed to segregate in affected family members (PMID: 21712855). Computational prediction algorithms indicate this variant is likely to affect gene or protein function. Given the available evidence, this variant is classified as Likely Pathogenic.

GeneDx
Classification: Pathogenic. Last evaluated: 2024-03-18. Review status: criteria provided, single submitter. Criteria: GeneDx Variant Classification Process June 2021. Collection method: clinical testing. Allele origin: germline. Affected: yes.
Comment: Not observed at significant frequency in large population cohorts (gnomAD); In silico analysis supports that this missense variant has a deleterious effect on protein structure/function; This variant is associated with the following publications: (PMID: 33747789, 9950362, 34738359, 21712855)

Fulgent Genetics
Classification: Likely pathogenic for Mucopolysaccharidosis, MPS-III-B; Charcot-Marie-Tooth disease axonal type 2V. Last evaluated: 2024-01-09. Review status: criteria provided, single submitter. Criteria: ACMG Guidelines, 2015. Collection method: clinical testing. Allele origin: germline.

Labcorp Genetics (formerly Invitae), Labcorp
Classification: Pathogenic for Charcot-Marie-Tooth disease axonal type 2V; Mucopolysaccharidosis, MPS-III-B. Last evaluated: 2024-01-03. Review status: criteria provided, single submitter. Criteria: Invitae Variant Classification Sherloc (09022015). Collection method: clinical testing. Allele origin: germline.
Comment: This sequence change replaces glycine, which is neutral and non-polar, with cysteine, which is neutral and slightly polar, at codon 79 of the NAGLU protein (p.Gly79Cys). This variant is not present in population databases (gnomAD no frequency). This missense change has been observed in individual(s) with mucopolysaccharidosis type IIIB (PMID: 9950362, 21712855, 33747789). In at least one individual the data is consistent with being in trans (on the opposite chromosome) from a pathogenic variant. It has also been observed to segregate with disease in related individuals. ClinVar contains an entry for this variant (Variation ID: 2138022). Advanced modeling of protein sequence and biophysical properties (such as structural, functional, and spatial information, amino acid conservation, physicochemical variation, residue mobility, and thermodynamic stability) performed at Invitae indicates that this missense variant is expected to disrupt NAGLU protein function with a positive predictive value of 95%. For these reasons, this variant has been classified as Pathogenic.

Literature cited by the submitters: PubMed 33747789 (cited by Natera, Inc. and Labcorp Genetics (formerly Invitae), Labcorp); PubMed 9950362 (cited by Natera, Inc. and Labcorp Genetics (formerly Invitae), Labcorp); PubMed 21712855 (cited by Natera, Inc. and Labcorp Genetics (formerly Invitae), Labcorp).